The following is an entry in ClinVar:

ClinVar aggregate classification (germline): Pathogenic/Likely pathogenic. Review status: criteria provided, multiple submitters, no conflicts (2 of 4 stars). 3 submissions from 3 submitters: Pathogenic (1); Likely pathogenic (2). Last evaluated 2024-08-06.

Conditions:
Adult polyglucosan body disease (APBN). Also called: POLYGLUCOSAN BODY DISEASE, ADULT FORM; GBE1-Adult Polyglucosan Body Disease. Identifiers: Orphanet 206583, MedGen C1849722, MONDO:0009897, OMIM 263570.
Glycogen storage disease, type IV (GSD4). Also called: CIRRHOSIS, FAMILIAL, WITH DEPOSITION OF ABNORMAL GLYCOGEN; AMYLOPECTINOSIS; ANDERSEN DISEASE; BRANCHER DEFICIENCY; Glycogen storage disease due to glycogen branching enzyme deficiency; GBE1 DEFICIENCY. Identifiers: Orphanet 367, MedGen C0017923, MONDO:0009292, OMIM 232500.
Glycogen storage disease IV, classic hepatic. Also called: GSD IV, CLASSIC HEPATIC. Identifiers: MedGen C1856301.

Allele frequency attached by ClinVar (database versions not stated): gnomAD exomes below 0.00001.
gnomAD v4.1: 4 of 1,558,914 alleles (0.00026%); highest among the groups gnomAD compares: South Asian, 0.0012%; no homozygotes.

Submissions (3):

3billion
Classification: Pathogenic for Adult polyglucosan body disease. Last evaluated: 2024-08-06. Review status: criteria provided, single submitter. Criteria: ACMG Guidelines, 2015. Collection method: clinical testing. Allele origin: germline. Affected: yes.
Comment: The variant is observed at an extremely low frequency in the gnomAD v4.0.0 dataset (total allele frequency: <0.001%). Predicted Consequence/Location: Canonical splice site: predicted to alter splicing and result in a loss or disruption of normal protein function. Multiple pathogenic loss-of-function variants are reported downstream of the variant. The variant has been reported to be associated with GBE1 related disorder (ClinVar ID: VCV001952542). Therefore, this variant is classified as Pathogenic according to the recommendation of ACMG/AMP guideline.

Labcorp Genetics (formerly Invitae), Labcorp
Classification: Likely pathogenic for Glycogen storage disease, type IV; Glycogen storage disease IV, classic hepatic. Last evaluated: 2022-04-21. Review status: criteria provided, single submitter. Criteria: Invitae Variant Classification Sherloc (09022015). Collection method: clinical testing. Allele origin: germline.
Comment: In summary, the currently available evidence indicates that the variant is pathogenic, but additional data are needed to prove that conclusively. Therefore, this variant has been classified as Likely Pathogenic. Algorithms developed to predict the effect of sequence changes on RNA splicing suggest that this variant may disrupt the consensus splice site. This variant has not been reported in the literature in individuals affected with GBE1-related conditions. This variant is not present in population databases (gnomAD no frequency). This sequence change affects an acceptor splice site in intron 4 of the GBE1 gene. It is expected to disrupt RNA splicing. Variants that disrupt the donor or acceptor splice site typically lead to a loss of protein function (PMID: 16199547), and loss-of-function variants in GBE1 are known to be pathogenic (PMID: 15452297, 20058079).

Juno Genomics, Hangzhou Juno Genomics, Inc
Classification: Likely pathogenic for Glycogen storage disease, type IV; Adult polyglucosan body disease. Review status: criteria provided, single submitter. Criteria: ACMG Guidelines, 2015. Collection method: clinical testing. Allele origin: germline.
Comment: Null variant in a gene where loss of function (LOF) is a known mechanism of disease.;Absent from controls (or at extremely low frequency if recessive) in Genome Aggregation Database.

Literature cited by the submitters: PubMed 16199547 (cited by Labcorp Genetics (formerly Invitae), Labcorp); PubMed 15452297 (cited by Labcorp Genetics (formerly Invitae), Labcorp); PubMed 20058079 (cited by Labcorp Genetics (formerly Invitae), Labcorp).

NM_000158.4(GBE1):c.556-1G>A

Gene: GBE1 (1,4-alpha-glucan branching enzyme 1; minus strand). Cytogenetic location: 3p12.2.
Variant type: single nucleotide variant.
Coding change: c.556-1G>A on transcript NM_000158.4 (MANE Select); the canonical splice acceptor site of the intron before coding-DNA position 556, G replaced by A.
Molecular consequence: splice acceptor variant.
Genome position (GRCh38, 1-based): chr3:81,648,992, C>T on the plus strand (G>A on the coding strand, the complement: GBE1 is on the minus strand). VCF-style: chr3-81648992-C-T. GRCh37 (hg19) VCF-style: chr3-81698143-C-T.
Identifiers: ClinVar variation 1952542 (VCV001952542.8), dbSNP rs2471826563, ClinGen allele CA353688504.